The following is an entry in ClinVar:

NM_001288705.3(CSF1R):c.458A>G (p.Asn153Ser)

Gene: CSF1R (colony stimulating factor 1 receptor; minus strand). Cytogenetic location: 5q32.
Variant type: single nucleotide variant.
Coding change: c.458A>G on transcript NM_001288705.3 (MANE Select); coding-DNA position 458, A replaced by G.
Protein change: p.Asn153Ser; replaces asparagine 153 with serine.
Molecular consequence: missense variant. On other transcripts: non-coding transcript variant (2).
Genome position (GRCh38, 1-based): chr5:150,080,186, T>C on the plus strand (A>G on the coding strand, the complement: CSF1R is on the minus strand). VCF-style: chr5-150080186-T-C. GRCh37 (hg19) VCF-style: chr5-149459749-T-C.
Other names: c.458A>G, p.Asn153Ser (NM_001349736.2, NM_001375320.1, NM_005211.4); c.14A>G, p.Asn5Ser (NM_001375321.1); short protein forms N5S, N153S.
Identifiers: ClinVar variation 2368168 (VCV002368168.7), dbSNP rs901809745, ClinGen allele CA129077582.

ClinVar aggregate classification (germline): Conflicting classifications of pathogenicity. Review status: criteria provided, conflicting classifications (1 of 4 stars). 4 submissions from 4 submitters: Uncertain significance (3); Likely benign (1). Last evaluated 2024-07-31.

Conditions:
Inborn genetic diseases. Identifiers: MedGen C0950123, MeSH D030342.

Allele frequency attached by ClinVar (database versions not stated): TOPMed below 0.00001.
gnomAD v4.1: 5 of 1,613,826 alleles (0.00031%); highest among the groups gnomAD compares: Middle Eastern, 0.016%; no homozygotes.

Submissions (4):

Revvity Omics, Revvity
Classification: Uncertain significance. Last evaluated: 2024-07-31. Review status: criteria provided, single submitter. Criteria: ACMG Guidelines, 2015. Collection method: clinical testing. Allele origin: germline.

Blueprint Genetics
Classification: Likely benign. Last evaluated: 2023-09-29. Review status: criteria provided, single submitter. Criteria: ACMG Guidelines, 2015. Collection method: clinical testing. Allele origin: germline.

Labcorp Genetics (formerly Invitae), Labcorp
Classification: Uncertain significance. Last evaluated: 2023-08-07. Review status: criteria provided, single submitter. Criteria: Invitae Variant Classification Sherloc (09022015). Collection method: clinical testing. Allele origin: germline.
Comment: In summary, the available evidence is currently insufficient to determine the role of this variant in disease. Therefore, it has been classified as a Variant of Uncertain Significance. Advanced modeling of protein sequence and biophysical properties (such as structural, functional, and spatial information, amino acid conservation, physicochemical variation, residue mobility, and thermodynamic stability) performed at Invitae indicates that this missense variant is not expected to disrupt CSF1R protein function. ClinVar contains an entry for this variant (Variation ID: 2368168). This variant has not been reported in the literature in individuals affected with CSF1R-related conditions. This variant is present in population databases (no rsID available, gnomAD 0.003%). This sequence change replaces asparagine, which is neutral and polar, with serine, which is neutral and polar, at codon 153 of the CSF1R protein (p.Asn153Ser).

Ambry Genetics
Classification: Uncertain significance for Inborn genetic diseases. Last evaluated: 2022-05-10. Review status: criteria provided, single submitter. Criteria: Ambry Variant Classification Scheme 2023. Collection method: clinical testing. Allele origin: germline.